The following is an entry in ClinVar:

NM_177438.3(DICER1):c.2256_2256+4del

Gene: DICER1 (dicer 1, ribonuclease III; minus strand). Cytogenetic location: 14q32.13.
Variant type: Deletion.
Coding change: c.2256_2256+4del on transcript NM_177438.3 (MANE Select); coding-DNA position 2256 through 4 bases into the intron after coding-DNA position 2256, 5 bases deleted (AGTTA; older notation c.2256_2256+4delAGTTA).
Molecular consequence: splice donor variant. On other transcripts: frameshift variant (1).
Genome position (GRCh38, 1-based): chr14:95,111,313-95,111,317, TAACT deleted on the plus strand (AGTTA on the coding strand, the reverse complement: DICER1 is on the minus strand). VCF-style (leftmost placement, unchanged base first): chr14-95111312-CTAACT-C. GRCh37 (hg19) VCF-style: chr14-95577649-CTAACT-C.
Other names: c.1851_1855del, p.Val618fs (NM_001395698.1); c.2256_2256+4del (NM_001291628.2, NM_030621.4, NM_001395677.1 and 12 more transcripts); c.1851_1851+4del (NM_001395690.1, NM_001395687.1, NM_001395689.1 and 2 more transcripts); c.1974_1974+4del (NM_001395686.1); c.1689_1689+4del (NM_001395691.1); c.573_573+4del (NM_001395697.1); short protein forms V618fs.
Identifiers: ClinVar variation 4011604 (VCV004011604.1).

ClinVar aggregate classification (germline): Likely pathogenic (1 of 4 stars; one submission).

Conditions:
Hereditary cancer-predisposing syndrome. Also called: Tumor predisposition; Hereditary neoplastic syndrome; Neoplastic Syndromes, Hereditary; Hereditary Cancer Syndrome. Identifiers: Orphanet 140162, MedGen C0027672, MeSH D009386, MONDO:0015356.

Submission:

Ambry Genetics
Classification: Likely pathogenic for Hereditary cancer-predisposing syndrome. Last evaluated: 2025-04-15. Review status: criteria provided, single submitter. Criteria: Ambry Variant Classification Scheme 2023. Collection method: clinical testing. Allele origin: germline.
Comment: The c.2256_2256+4delAGTTA variant results from a deletion of 5 nucleotides between positions 2256 and 2256+4 and involves the canonical splice donor site after coding exon 13 of the DICER1 gene. This variant is considered to be rare based on population cohorts in the Genome Aggregation Database (gnomAD). The canonical splice donor site is highly conserved in available vertebrate species. In silico splice site analysis predicts that this alteration will weaken the native splice donor site and may result in the creation or strengthening of a novel splice donor site; however, the exact impact of this deletion on DICER1 splicing and function is currently unknown. Alterations that disrupt the canonical splice site are expected to cause aberrant splicing, resulting in an abnormal protein or a transcript that is subject to nonsense-mediated mRNA decay. As such, this alteration is classified as likely pathogenic.